The following is an entry in ClinVar:

ClinVar aggregate classification (germline): Uncertain significance (1 of 4 stars; one submission).

Conditions:
NTRK2-related disorder. Also called: NTRK2-related condition.

Submission:

PreventionGenetics, part of Exact Sciences
Classification: Uncertain significance for NTRK2-related condition. Last evaluated: 2026-04-27. Review status: criteria provided, single submitter. Criteria: ACMG Guidelines, 2015. Collection method: clinical testing. Allele origin: germline.
Comment: The NTRK2 c.2313C>T variant is not predicted to result in an amino acid change (p.=). This variant is predicted to alter splicing based on available splicing prediction programs (SpliceAI, Jaganathan et al. 2019. PubMed ID: 30661751). To our knowledge, this variant has not been reported in the literature or in a large population database (gnomAD), indicating this variant is rare. At this time, the clinical significance of this variant is uncertain due to the absence of conclusive functional and genetic evidence.

NM_006180.6(NTRK2):c.2313C>T (p.Tyr771=)

Gene: NTRK2 (neurotrophic receptor tyrosine kinase 2; plus strand). Cytogenetic location: 9q21.33.
Variant type: single nucleotide variant.
Coding change: c.2313C>T on transcript NM_006180.6 (MANE Select); coding-DNA position 2313, C replaced by T.
Protein change: p.Tyr771=; no amino-acid change (tyrosine 771 retained).
Molecular consequence: synonymous variant.
Genome position (GRCh38, 1-based): chr9:85,020,346, C>T. VCF-style: chr9-85020346-C-T. GRCh37 (hg19) VCF-style: chr9-87635261-C-T.
Other names: c.2265C>T, p.Tyr755= (NM_001018064.3, NM_001369532.1, NM_001369533.1); c.2229C>T, p.Tyr743= (NM_001369534.1); c.1797C>T, p.Tyr599= (NM_001369535.1); c.1845C>T, p.Tyr615= (NM_001369536.1).
Identifiers: ClinVar variation 4999266 (VCV004999266.1).